The following is an entry in ClinVar:

ClinVar aggregate classification (germline): Uncertain significance (1 of 4 stars; one submission).

Submission:

Labcorp Genetics (formerly Invitae), Labcorp
Classification: Uncertain significance. Last evaluated: 2022-10-24. Review status: criteria provided, single submitter. Criteria: Invitae Variant Classification Sherloc (09022015). Collection method: clinical testing. Allele origin: germline.
Comment: This sequence change replaces threonine, which is neutral and polar, with alanine, which is neutral and non-polar, at codon 1569 of the VCAN protein (p.Thr1569Ala). This variant is not present in population databases (gnomAD no frequency). This variant has not been reported in the literature in individuals affected with VCAN-related conditions. ClinVar contains an entry for this variant (Variation ID: 1386859). Algorithms developed to predict the effect of missense changes on protein structure and function output the following: SIFT: "Tolerated"; PolyPhen-2: "Benign"; Align-GVGD: "Class C0". The alanine amino acid residue is found in multiple mammalian species, which suggests that this missense change does not adversely affect protein function. In summary, the available evidence is currently insufficient to determine the role of this variant in disease. Therefore, it has been classified as a Variant of Uncertain Significance.

NM_004385.5(VCAN):c.4705A>G (p.Thr1569Ala)

Genes: VCAN (versican; plus strand), VCAN-AS1 (VCAN antisense RNA 1; minus strand). Cytogenetic location: 5q14.3.
Variant type: single nucleotide variant.
Coding change: c.4705A>G on transcript NM_004385.5 (MANE Select); coding-DNA position 4705, A replaced by G.
Protein change: p.Thr1569Ala; replaces threonine 1569 with alanine.
Molecular consequence: missense variant. On other transcripts: intron variant (2).
Genome position (GRCh38, 1-based): chr5:83,537,708, A>G. VCF-style: chr5-83537708-A-G. GRCh37 (hg19) VCF-style: chr5-82833527-A-G.
Other names: c.1744A>G, p.Thr582Ala (NM_001164097.2); c.4004-7829A>G (NM_001164098.2); c.1043-7829A>G (NM_001126336.3); short protein forms T1569A, T582A.
Identifiers: ClinVar variation 1386859 (VCV001386859.6), dbSNP rs1746780623, ClinGen allele CA360308832.